The following is an entry in ClinVar:

ClinVar aggregate classification (germline): Uncertain significance (1 of 4 stars; one submission).

Conditions:
Myoclonic dystonia 11 (DYT11). Also called: DYT-SGCE; Myoclonic dystonia; Dystonia 11; Dystonia, alcohol responsive; Hereditary essential myoclonus; SGCE Myoclonus-Dystonia. Identifiers: Orphanet 36899, MedGen C1834570, MONDO:0008044, OMIM 159900.

Submission:

Labcorp Genetics (formerly Invitae), Labcorp
Classification: Uncertain significance for Myoclonic dystonia 11. Last evaluated: 2021-06-06. Review status: criteria provided, single submitter. Criteria: Invitae Variant Classification Sherloc (09022015). Collection method: clinical testing. Allele origin: germline.
Comment: This variant is not present in population databases (ExAC no frequency). This variant has not been reported in the literature in individuals with SGCE-related conditions. Algorithms developed to predict the effect of missense changes on protein structure and function (SIFT, PolyPhen-2, Align-GVGD) all suggest that this variant is likely to be tolerated, but these predictions have not been confirmed by published functional studies and their clinical significance is uncertain. In summary, the available evidence is currently insufficient to determine the role of this variant in disease. Therefore, it has been classified as a Variant of Uncertain Significance. This sequence change replaces aspartic acid with glutamic acid at codon 259 of the SGCE protein (p.Asp259Glu). The aspartic acid residue is highly conserved and there is a small physicochemical difference between aspartic acid and glutamic acid.

NM_003919.3(SGCE):c.777T>G (p.Asp259Glu)

Genes: CASD1 (CAS1 domain sialic acid O acetyltransferase 1; plus strand), SGCE (sarcoglycan epsilon; minus strand). Cytogenetic location: 7q21.3.
Variant type: single nucleotide variant.
Coding change: c.777T>G on transcript NM_003919.3 (MANE Select); coding-DNA position 777, T replaced by G.
Protein change: p.Asp259Glu; replaces aspartic acid 259 with glutamic acid.
Molecular consequence: missense variant.
Genome position (GRCh38, 1-based): chr7:94,603,338, A>C on the plus strand (T>G on the coding strand, the complement: SGCE is on the minus strand). VCF-style: chr7-94603338-A-C. GRCh37 (hg19) VCF-style: chr7-94232650-A-C.
Other names: c.885T>G, p.Asp295Glu (NM_001346713.2, NM_001346715.2); c.777T>G, p.Asp259Glu (NM_001346717.2, NM_001099400.2, NM_001099401.2); c.690T>G, p.Asp230Glu (NM_001346719.2, NM_001362807.2); c.504T>G, p.Asp168Glu (NM_001346720.2, NM_001362808.2); c.654T>G, p.Asp218Glu (NM_001362809.2, NM_001301139.2); short protein forms D230E, D259E, D168E, D218E, D295E.
Identifiers: ClinVar variation 1399804 (VCV001399804.8), dbSNP rs2116723007, ClinGen allele CA368232044.